The following is an entry in ClinVar:

ClinVar aggregate classification (germline): Uncertain significance. Review status: criteria provided, multiple submitters, no conflicts (2 of 4 stars). 6 submissions from 6 submitters: Uncertain significance (5). 1 of the submissions does not count toward it. Last evaluated 2025-11-11.

Conditions:
Hereditary cancer-predisposing syndrome. Also called: Hereditary Cancer Syndrome; Neoplastic Syndromes, Hereditary; Tumor predisposition; Hereditary neoplastic syndrome. Identifiers: Orphanet 140162, MedGen C0027672, MeSH D009386, MONDO:0015356.
Ataxia-telangiectasia syndrome (AT). Also called: Ataxia-telangiectasia, complementation group D; AT, COMPLEMENTATION GROUP C; ATAXIA-TELANGIECTASIA, COMPLEMENTATION GROUP A; ATAXIA-TELANGIECTASIA, FRESNO VARIANT; Ataxia-telangiectasia; LOUIS-BAR SYNDROME. Identifiers: Orphanet 100, MedGen C0004135, MONDO:0008840, OMIM 208900.

Allele frequency attached by ClinVar (database versions not stated): TOPMed 0.00001.
gnomAD v4.1: 3 of 1,529,924 alleles (0.0002%); highest among the groups gnomAD compares: Non-Finnish European, 0.00027%; no homozygotes.

Submissions (6):

Labcorp Genetics (formerly Invitae), Labcorp
Classification: Uncertain significance for Ataxia-telangiectasia syndrome. Last evaluated: 2025-11-11. Review status: criteria provided, single submitter. Criteria: Invitae Variant Classification Sherloc (09022015). Collection method: clinical testing. Allele origin: germline.
Comment: This sequence change replaces isoleucine, which is neutral and non-polar, with serine, which is neutral and polar, at codon 1237 of the ATM protein (p.Ile1237Ser). This variant is not present in population databases (gnomAD no frequency). This variant has not been reported in the literature in individuals affected with ATM-related conditions. ClinVar contains an entry for this variant (Variation ID: 186372). Invitae Evidence Modeling of protein sequence and biophysical properties (such as structural, functional, and spatial information, amino acid conservation, physicochemical variation, residue mobility, and thermodynamic stability) indicates that this missense variant is not expected to disrupt ATM protein function with a negative predictive value of 95%. RNA analysis performed to evaluate the impact of this missense change on mRNA splicing indicates it does not significantly alter splicing (internal data). In summary, the available evidence is currently insufficient to determine the role of this variant in disease. Therefore, it has been classified as a Variant of Uncertain Significance.

Ambry Genetics
Classification: Uncertain significance for Hereditary cancer-predisposing syndrome. Last evaluated: 2024-09-03. Review status: criteria provided, single submitter. Criteria: Ambry Variant Classification Scheme 2023. Collection method: clinical testing. Allele origin: germline.
Comment: The p.I1237S variant (also known as c.3710T>G), located in coding exon 24 of the ATM gene, results from a T to G substitution at nucleotide position 3710. The isoleucine at codon 1237 is replaced by serine, an amino acid with dissimilar properties. This amino acid position is not well conserved in available vertebrate species. In addition, this alteration is predicted to be tolerated by in silico analysis. Since supporting evidence is limited at this time, the clinical significance of this alteration remains unclear.

Color Diagnostics, LLC DBA Color Health
Classification: Uncertain significance for Hereditary cancer-predisposing syndrome. Last evaluated: 2023-12-05. Review status: criteria provided, single submitter. Criteria: ACMG Guidelines, 2015. Collection method: clinical testing. Allele origin: germline.
Comment: This missense variant replaces isoleucine with serine at codon 1237 of the ATM protein. Computational prediction suggests that this variant may not impact protein structure and function (internally defined REVEL score threshold <= 0.5, PMID: 27666373). To our knowledge, functional studies have not been reported for this variant. This variant has not been reported in individuals affected with ATM-related disorders in the literature. This variant has not been identified in the general population by the Genome Aggregation Database (gnomAD). The available evidence is insufficient to determine the role of this variant in disease conclusively. Therefore, this variant is classified as a Variant of Uncertain Significance.

GeneDx
Classification: Uncertain significance. Last evaluated: 2022-01-25. Review status: criteria provided, single submitter. Criteria: GeneDx Variant Classification Process June 2021. Collection method: clinical testing. Allele origin: germline. Affected: yes.
Comment: Not observed at significant frequency in large population cohorts (gnomAD); In silico analysis supports that this missense variant does not alter protein structure/function; Has not been previously published as pathogenic or benign to our knowledge

Women's Health and Genetics/Laboratory Corporation of America, LabCorp
Classification: Uncertain significance. Last evaluated: 2019-04-15. Review status: criteria provided, single submitter. Criteria: LabCorp Variant Classification Summary - May 2015. Collection method: clinical testing. Allele origin: germline.
Comment: Variant summary: ATM c.3710T>G (p.Ile1237Ser) results in a non-conservative amino acid change in the encoded protein sequence. Four of five in-silico tools predict a benign effect of the variant on protein function. The variant was absent in 245934 control chromosomes (gnomAD). The available data on variant occurrences in the general population are insufficient to allow any conclusion about variant significance. To our knowledge, no occurrence of c.3710T>G in individuals affected with Ataxia-Telangiectasia and no experimental evidence demonstrating its impact on protein function have been reported. Three clinical diagnostic laboratories have submitted clinical-significance assessments for this variant to ClinVar after 2014 without evidence for independent evaluation. All laboratories classified the variant as uncertain significance. Based on the evidence outlined above, the variant was classified as uncertain significance.

Natera, Inc.
Classification: Uncertain significance for Ataxia-telangiectasia. Last evaluated: 2021-03-26. Review status: no assertion criteria provided. Collection method: clinical testing. Allele origin: germline. Not counted in ClinVar's aggregate classification.

NM_000051.4(ATM):c.3710T>G (p.Ile1237Ser)

Gene: ATM (ATM serine/threonine kinase; plus strand). Cytogenetic location: 11q22.3.
Variant type: single nucleotide variant.
Coding change: c.3710T>G on transcript NM_000051.4 (MANE Select); coding-DNA position 3710, T replaced by G.
Protein change: p.Ile1237Ser; replaces isoleucine 1237 with serine.
Molecular consequence: missense variant.
Genome position (GRCh38, 1-based): chr11:108,282,843, T>G. VCF-style: chr11-108282843-T-G. GRCh37 (hg19) VCF-style: chr11-108153570-T-G.
Other names: c.3710T>G, p.Ile1237Ser (NM_001351834.2); short protein forms I1237S.
Identifiers: ClinVar variation 186372 (VCV000186372.28), dbSNP rs786202897, ClinGen allele CA194643.
Genomic context (GRCh38, chr11:108,282,843, plus strand): 5'-TGGTTTTGGAATGGCTAAATCTTCAAGATACTGAATACAACTTATCTTCTTTTCCTTTTA[T>G]TTTATTAAACTACACAAATATTGAGGATTTCTATAGGTAAGTTTATACATGACATATGTG-3'
Protein context (NP_000042.3, residues 1227-1247): TEYNLSSFPF[Ile1237Ser]LLNYTNIEDF